The following is an entry in ClinVar:

NM_002028.4(FNTB):c.474T>C (p.Asn158=)

Genes: CHURC1-FNTB (CHURC1-FNTB readthrough; plus strand), FNTB (farnesyltransferase, CAAX box, subunit beta; plus strand), MAX (MYC associated transcriptional regulator X; minus strand). Cytogenetic location: 14q23.3.
Variant type: single nucleotide variant.
Coding change: c.474T>C on transcript NM_002028.4 (MANE Select); coding-DNA position 474, T replaced by C.
Protein change: p.Asn158=; no amino-acid change (asparagine 158 retained).
Molecular consequence: synonymous variant. On other transcripts: intron variant (2).
Genome position (GRCh38, 1-based): chr14:65,027,552, T>C. VCF-style: chr14-65027552-T-C. GRCh37 (hg19) VCF-style: chr14-65494270-T-C.
Other names: c.336T>C, p.Asn112= (NM_001202558.2); c.657T>C, p.Asn219= (NM_001202559.1); c.145-21268A>G (NM_001271069.2); c.172-21268A>G (NM_197957.4).
Identifiers: ClinVar variation 3906063 (VCV003906063.10).

ClinVar aggregate classification (germline): Likely benign (1 of 4 stars; one submission).

gnomAD v4.1: 2 of 1,614,194 alleles (0.00012%); highest among the groups gnomAD compares: South Asian, 0.0022%; no homozygotes.

Submission:

CeGaT Center for Human Genetics Tuebingen
Classification: Likely benign. Last evaluated: 2025-06-01. Review status: criteria provided, single submitter. Criteria: CeGaT Center For Human Genetics Tuebingen Variant Classification Criteria Version 2. Collection method: clinical testing. Allele origin: germline. Affected: yes. Observed: 1 variant allele.
Comment: FNTB: BP4, BP7